The following is an entry in ClinVar:

NM_002878.4(RAD51D):c.849A>C (p.Gly283=)

Genes: RAD51D (RAD51 paralog D; minus strand), RAD51L3-RFFL (RAD51L3-RFFL readthrough; minus strand). Cytogenetic location: 17q12.
Variant type: single nucleotide variant.
Coding change: c.849A>C on transcript NM_002878.4 (MANE Select); coding-DNA position 849, A replaced by C.
Protein change: p.Gly283=; no amino-acid change (glycine 283 retained).
Molecular consequence: synonymous variant. On other transcripts: non-coding transcript variant (3).
Genome position (GRCh38, 1-based): chr17:35,101,255, T>G on the plus strand (A>C on the coding strand, the complement: RAD51D is on the minus strand). VCF-style: chr17-35101255-T-G. GRCh37 (hg19) VCF-style: chr17-33428274-T-G.
Other names: c.909A>C, p.Gly303= (NM_001142571.2); c.513A>C, p.Gly171= (NM_133629.3).
Identifiers: ClinVar variation 539871 (VCV000539871.21), dbSNP rs766847072, ClinGen allele CA8499334.

ClinVar aggregate classification (germline): Benign/Likely benign. Review status: criteria provided, multiple submitters, no conflicts (2 of 4 stars). 6 submissions from 6 submitters: Benign (1); Likely benign (5). Last evaluated 2025-02-24.

Conditions:
Hereditary cancer-predisposing syndrome. Also called: Neoplastic Syndromes, Hereditary; Hereditary Cancer Syndrome; Hereditary neoplastic syndrome; Tumor predisposition. Identifiers: Orphanet 140162, MedGen C0027672, MeSH D009386, MONDO:0015356.
Breast-ovarian cancer, familial, susceptibility to, 4. Identifiers: Orphanet 145, MedGen C3280345, MONDO:0013669, OMIM 614291.

Allele frequency attached by ClinVar (database versions not stated): gnomAD exomes below 0.00001 and 0.00001; ExAC 0.00001.
gnomAD v4.1: 11 of 1,614,146 alleles (0.00068%); highest among the groups gnomAD compares: Middle Eastern, 0.049%; no homozygotes.

Submissions (6):

Myriad Genetics, Inc.
Classification: Benign for Breast-ovarian cancer, familial, susceptibility to, 4. Last evaluated: 2025-02-24. Review status: criteria provided, single submitter. Criteria: Myriad Autosomal Dominant, Autosomal Recessive and X-Linked Classification Criteria (2023). Collection method: clinical testing. Allele origin: unknown.
Comment: This variant is considered benign. This variant is a silent/synonymous amino acid change and it is not expected to impact splicing.

Labcorp Genetics (formerly Invitae), Labcorp
Classification: Likely benign for Breast-ovarian cancer, familial, susceptibility to, 4. Last evaluated: 2025-02-20. Review status: criteria provided, single submitter. Criteria: Invitae Variant Classification Sherloc (09022015). Collection method: clinical testing. Allele origin: germline.

Quest Diagnostics Nichols Institute San Juan Capistrano
Classification: Likely benign. Last evaluated: 2023-02-24. Review status: criteria provided, single submitter. Criteria: Quest Diagnostics criteria. Collection method: clinical testing. Allele origin: unknown.

Color Diagnostics, LLC DBA Color Health
Classification: Likely benign for Hereditary cancer-predisposing syndrome. Last evaluated: 2018-07-17. Review status: criteria provided, single submitter. Criteria: ACMG Guidelines, 2015. Collection method: clinical testing. Allele origin: germline.

GeneDx
Classification: Likely benign. Last evaluated: 2018-07-02. Review status: criteria provided, single submitter. Criteria: GeneDx Variant Classification Process June 2021. Collection method: clinical testing. Allele origin: germline. Affected: yes.

Ambry Genetics
Classification: Likely benign for Hereditary cancer-predisposing syndrome. Last evaluated: 2015-10-30. Review status: criteria provided, single submitter. Criteria: Ambry Variant Classification Scheme 2023. Collection method: clinical testing. Allele origin: germline.